The following is an entry in ClinVar:

NM_001204.7(BMPR2):c.415C>T (p.Leu139Phe)

Gene: BMPR2 (bone morphogenetic protein receptor type 2; plus strand). Cytogenetic location: 2q33.1.
Variant type: single nucleotide variant.
Coding change: c.415C>T on transcript NM_001204.7 (MANE Select); coding-DNA position 415, C replaced by T.
Protein change: p.Leu139Phe; replaces leucine 139 with phenylalanine.
Molecular consequence: missense variant.
Genome position (GRCh38, 1-based): chr2:202,467,686, C>T. VCF-style: chr2-202467686-C-T. GRCh37 (hg19) VCF-style: chr2-203332409-C-T.
Other names: short protein forms L139F.
Identifiers: ClinVar variation 4827179 (VCV004827179.1).

ClinVar aggregate classification (germline): Uncertain significance (1 of 4 stars; one submission).

Conditions:
Inborn genetic diseases. Identifiers: MedGen C0950123, MeSH D030342.

Submission:

Ambry Genetics
Classification: Uncertain significance for Inborn genetic diseases. Last evaluated: 2026-02-23. Review status: criteria provided, single submitter. Criteria: Ambry Variant Classification Scheme 2023. Collection method: clinical testing. Allele origin: germline.
Comment: The p.L139F variant (also known as c.415C>T), located in coding exon 3 of the BMPR2 gene, results from a C to T substitution at nucleotide position 415. The leucine at codon 139 is replaced by phenylalanine, an amino acid with highly similar properties. This amino acid position is conserved. In addition, this alteration is predicted to be tolerated by in silico analysis. Based on the available evidence, the clinical significance of this variant remains unclear.